The following is an entry in ClinVar:

ClinVar aggregate classification (germline): Conflicting classifications of pathogenicity. Review status: criteria provided, conflicting classifications (1 of 4 stars). 6 submissions from 6 submitters: Uncertain significance (3); Benign (1); Likely benign (2). Last evaluated 2026-04-20.

Conditions:
Short-rib thoracic dysplasia 10 with or without polydactyly (SRTD10). Identifiers: Orphanet 474, MedGen C3810175, MONDO:0014284, OMIM 615630.
Retinitis pigmentosa 71 (RP71). Identifiers: Orphanet 791, MedGen C4225342, MONDO:0014618, OMIM 616394.
Bardet-Biedl syndrome 20. Identifiers: MedGen C4310707, MONDO:0023670, OMIM 619471, MONDO:0014926.
IFT172-related disorder. Also called: IFT172-related condition; IFT172-related disorders.
Inborn genetic diseases. Identifiers: MedGen C0950123, MeSH D030342.

Allele frequency attached by ClinVar (database versions not stated): gnomAD exomes 0.00003 and 0.00013; ExAC 0.00014; 1000 Genomes Project 30x 0.00016; 1000 Genomes Project 0.00020; ESP Exome Variant Server 0.00038; gnomAD 0.00045 and 0.00049; TOPMed 0.00051.

Submissions (7):

PreventionGenetics, part of Exact Sciences
Classification: Uncertain significance for IFT172-related condition. Last evaluated: 2026-04-20. Review status: criteria provided, single submitter. Criteria: ACMG Guidelines, 2015. Collection method: clinical testing. Allele origin: germline.
Comment: The IFT172 c.2597A>G variant is predicted to result in the amino acid substitution p.Gln866Arg. To our knowledge, this variant has not been reported in the literature. This variant is reported in 0.14% of alleles in individuals of African descent in gnomAD, which is likely too common for an unreported disease-causing variant. Although we suspect that this variant may be benign, at this time, the clinical significance of this variant is uncertain due to the absence of conclusive functional and genetic evidence.

Labcorp Genetics (formerly Invitae), Labcorp
Classification: Likely benign for Retinitis pigmentosa 71; Short-rib thoracic dysplasia 10 with or without polydactyly. Last evaluated: 2025-10-14. Review status: criteria provided, single submitter. Criteria: Invitae Variant Classification Sherloc (09022015). Collection method: clinical testing. Allele origin: germline.

Blueprint Genetics
Classification: Benign. Last evaluated: 2024-06-04. Review status: criteria provided, single submitter. Criteria: ACMG Guidelines, 2015. Collection method: clinical testing. Allele origin: germline.

Ambry Genetics
Classification: Likely benign for Inborn genetic diseases. Last evaluated: 2024-03-05. Review status: criteria provided, single submitter. Criteria: Ambry Variant Classification Scheme 2023. Collection method: clinical testing. Allele origin: germline.

GeneDx
Classification: Uncertain significance. Last evaluated: 2024-01-29. Review status: criteria provided, single submitter. Criteria: GeneDx Variant Classification Process June 2021. Collection method: clinical testing. Allele origin: germline. Affected: yes.
Comment: In silico analysis supports that this missense variant does not alter protein structure/function; Has not been previously published as pathogenic or benign to our knowledge

Fulgent Genetics
Classification: Uncertain significance for Short-rib thoracic dysplasia 10 with or without polydactyly; Retinitis pigmentosa 71; Bardet-Biedl syndrome 20. Last evaluated: 2022-05-11. Review status: criteria provided, single submitter. Criteria: ACMG Guidelines, 2015. Collection method: clinical testing. Allele origin: unknown.

Dr. Peter K. Rogan Lab, Western University
No classification provided (evidence only). Condition: Cervical cancer. Review status: no classification provided. Collection method: in vitro. Allele origin: not applicable. Functional consequence: retained intron. Not counted in ClinVar's aggregate classification.

Literature cited by the submitters: PubMed 36413997 (cited by Ambry Genetics).

NM_015662.3(IFT172):c.2597A>G (p.Gln866Arg)

Genes: IFT172 (intraflagellar transport 172; minus strand), LOC126806174 (CDK7 strongly-dependent group 2 enhancer GRCh37_chr2:27681686-27682885; plus strand). Cytogenetic location: 2p23.3.
Variant type: single nucleotide variant.
Coding change: c.2597A>G on transcript NM_015662.3 (MANE Select); coding-DNA position 2597, A replaced by G.
Protein change: p.Gln866Arg; replaces glutamine 866 with arginine.
Molecular consequence: missense variant.
Genome position (GRCh38, 1-based): chr2:27,459,754, T>C on the plus strand (A>G on the coding strand, the complement: IFT172 is on the minus strand). VCF-style: chr2-27459754-T-C. GRCh37 (hg19) VCF-style: chr2-27682621-T-C.
Other names: short protein forms Q866R.
Identifiers: ClinVar variation 521057 (VCV000521057.22), dbSNP rs139229844, ClinGen allele CA1580242.